The following is an entry in ClinVar:

NM_000540.3(RYR1):c.3108C>A (p.Asp1036Glu)

Gene: RYR1 (ryanodine receptor 1; plus strand). Cytogenetic location: 19q13.2.
Variant type: single nucleotide variant.
Coding change: c.3108C>A on transcript NM_000540.3 (MANE Select); coding-DNA position 3108, C replaced by A.
Protein change: p.Asp1036Glu; replaces aspartic acid 1036 with glutamic acid.
Molecular consequence: missense variant.
Genome position (GRCh38, 1-based): chr19:38,466,328, C>A. VCF-style: chr19-38466328-C-A. GRCh37 (hg19) VCF-style: chr19-38956968-C-A.
Other names: p.Asp1036Glu; c.3108C>A, p.Asp1036Glu (NM_001042723.2); short protein forms D1036E.
Identifiers: ClinVar variation 284174 (VCV000284174.22), dbSNP rs759317223, ClinGen allele CA064429.

ClinVar aggregate classification (germline): Conflicting classifications of pathogenicity. Review status: criteria provided, conflicting classifications (1 of 4 stars). 7 submissions from 7 submitters: Uncertain significance (4); Likely benign (3). Last evaluated 2025-12-28.

Conditions:
RYR1-related disorder. Also called: RYR1-related condition; RYR1-related disorders. Identifiers: MedGen CN239331.
Malignant hyperthermia, susceptibility to, 1 (MHS1). Also called: Anesthesia related hyperthermia; Malignant hyperpyrexia; Fulminating hyperpyrexia; Pharmacogenic myopathy; RYR1-Related Malignant Hyperthermia Susceptibility; Malignant hyperthermia suceptibility 1. Identifiers: Orphanet 423, MedGen C2930980, MONDO:0007783, OMIM 145600.

Allele frequency attached by ClinVar (database versions not stated): gnomAD 0.00004; TOPMed 0.00019; gnomAD exomes 0.00027; ExAC 0.00042.
gnomAD v4.1: 71 of 1,603,780 alleles (0.0044%); highest among the groups gnomAD compares: Admixed American, 0.11%; no homozygotes.

Submissions (7):

Labcorp Genetics (formerly Invitae), Labcorp
Classification: Likely benign for RYR1-related disorder. Last evaluated: 2025-12-28. Review status: criteria provided, single submitter. Criteria: Invitae Variant Classification Sherloc (09022015). Collection method: clinical testing. Allele origin: germline.

Mayo Clinic Laboratories, Mayo Clinic
Classification: Uncertain significance. Last evaluated: 2025-09-17. Review status: criteria provided, single submitter. Criteria: ACMG Guidelines, 2015. Collection method: clinical testing. Allele origin: germline. Observed: 1 variant allele.
Comment: BS1

PreventionGenetics, part of Exact Sciences
Classification: Likely benign for RYR1-related condition. Last evaluated: 2025-03-24. Review status: criteria provided, single submitter. Criteria: ACMG Guidelines, 2015. Collection method: clinical testing. Allele origin: germline.
Comment: This variant is classified as likely benign based on ACMG/AMP sequence variant interpretation guidelines (Richards et al. 2015 PMID: 25741868, with internal and published modifications).

GeneDx
Classification: Uncertain significance. Last evaluated: 2023-07-02. Review status: criteria provided, single submitter. Criteria: GeneDx Variant Classification Process June 2021. Collection method: clinical testing. Allele origin: germline. Affected: yes.
Comment: In silico analysis supports that this missense variant has a deleterious effect on protein structure/function; Has not been previously published as pathogenic or benign to our knowledge

Color Diagnostics, LLC DBA Color Health
Classification: Likely benign for Malignant hyperthermia, susceptibility to, 1. Last evaluated: 2022-11-06. Review status: criteria provided, single submitter. Criteria: ACMG Guidelines, 2015. Collection method: clinical testing. Allele origin: germline.

Revvity Omics, Revvity
Classification: Uncertain significance. Last evaluated: 2019-06-06. Review status: criteria provided, single submitter. Criteria: ACMG Guidelines, 2015. Collection method: clinical testing. Allele origin: germline.

Eurofins Ntd Llc (ga)
Classification: Uncertain significance. Last evaluated: 2015-10-20. Review status: criteria provided, single submitter. Criteria: EGL Classification Definitions 2015. Collection method: clinical testing. Allele origin: germline. Observed: 2 variant alleles, 2 heterozygotes.